The following is an entry in ClinVar:

ClinVar aggregate classification (germline): Uncertain significance (1 of 4 stars; one submission).

Conditions:
Ullrich congenital muscular dystrophy 2 (UCMD2). Identifiers: Orphanet 75840, MedGen C4225314, MONDO:0014654, OMIM 616470.
Bethlem myopathy 2 (BTHLM2). Identifiers: Orphanet 536516, Orphanet 610, MedGen C4225313, MONDO:0034022, OMIM 616471.

Allele frequency attached by ClinVar (database versions not stated): gnomAD exomes below 0.00001.
gnomAD v4.1: 2 of 1,613,876 alleles (0.00012%); highest among the groups gnomAD compares: Non-Finnish European, 0.00017%; no homozygotes.

Submission:

Labcorp Genetics (formerly Invitae), Labcorp
Classification: Uncertain significance for Bethlem myopathy 2; Ullrich congenital muscular dystrophy 2. Last evaluated: 2021-04-15. Review status: criteria provided, single submitter. Criteria: Invitae Variant Classification Sherloc (09022015). Collection method: clinical testing. Allele origin: germline.
Comment: In summary, the available evidence is currently insufficient to determine the role of this variant in disease. Therefore, it has been classified as a Variant of Uncertain Significance. Algorithms developed to predict the effect of missense changes on protein structure and function (SIFT, PolyPhen-2, Align-GVGD) all suggest that this variant is likely to be tolerated, but these predictions have not been confirmed by published functional studies and their clinical significance is uncertain. This variant has not been reported in the literature in individuals with COL12A1-related conditions. This variant is not present in population databases (ExAC no frequency). This sequence change replaces glutamine with glutamic acid at codon 1293 of the COL12A1 protein (p.Gln1293Glu). The glutamine residue is moderately conserved and there is a small physicochemical difference between glutamine and glutamic acid.

NM_004370.6(COL12A1):c.3877C>G (p.Gln1293Glu)

Gene: COL12A1 (collagen type XII alpha 1 chain; minus strand). Cytogenetic location: 6q13.
Variant type: single nucleotide variant.
Coding change: c.3877C>G on transcript NM_004370.6 (MANE Select); coding-DNA position 3877, C replaced by G.
Protein change: p.Gln1293Glu; replaces glutamine 1293 with glutamic acid.
Molecular consequence: missense variant.
Genome position (GRCh38, 1-based): chr6:75,151,990, G>C on the plus strand (C>G on the coding strand, the complement: COL12A1 is on the minus strand). VCF-style: chr6-75151990-G-C. GRCh37 (hg19) VCF-style: chr6-75861706-G-C.
Other names: c.385C>G, p.Gln129Glu (NM_080645.3); short protein forms Q1293E, Q129E.
Identifiers: ClinVar variation 1350718 (VCV001350718.8), dbSNP rs1489541121, ClinGen allele CA364748384.